The following is an entry in ClinVar:

ClinVar aggregate classification (germline): Uncertain significance (1 of 4 stars; one submission).

Conditions:
Cohen syndrome (COH1). Also called: PEPPER SYNDROME; Cutis verticis gyrata, retinitis pigmentosa, and sensorineural deafness. Identifiers: Orphanet 193, MedGen C0265223, MONDO:0008999, OMIM 216550.

Submission:

Labcorp Genetics (formerly Invitae), Labcorp
Classification: Uncertain significance for Cohen syndrome. Last evaluated: 2024-10-29. Review status: criteria provided, single submitter. Criteria: Invitae Variant Classification Sherloc (09022015). Collection method: clinical testing. Allele origin: germline.
Comment: This sequence change replaces leucine, which is neutral and non-polar, with proline, which is neutral and non-polar, at codon 1951 of the VPS13B protein (p.Leu1951Pro). This variant is not present in population databases (gnomAD no frequency). This variant has not been reported in the literature in individuals affected with VPS13B-related conditions. ClinVar contains an entry for this variant (Variation ID: 842193). Invitae Evidence Modeling of protein sequence and biophysical properties (such as structural, functional, and spatial information, amino acid conservation, physicochemical variation, residue mobility, and thermodynamic stability) indicates that this missense variant is expected to disrupt VPS13B protein function with a positive predictive value of 80%. In summary, the available evidence is currently insufficient to determine the role of this variant in disease. Therefore, it has been classified as a Variant of Uncertain Significance.

NM_152564.5(VPS13B):c.5777T>C (p.Leu1926Pro)

Gene: VPS13B (vacuolar protein sorting 13 homolog B; plus strand). Cytogenetic location: 8q22.2.
Variant type: single nucleotide variant.
Coding change: c.5777T>C on transcript NM_152564.5 (MANE Select); coding-DNA position 5777, T replaced by C.
Protein change: p.Leu1926Pro; replaces leucine 1926 with proline.
Molecular consequence: missense variant.
Genome position (GRCh38, 1-based): chr8:99,642,367, T>C. VCF-style: chr8-99642367-T-C. GRCh37 (hg19) VCF-style: chr8-100654595-T-C.
Other names: c.5852T>C, p.Leu1951Pro (NM_017890.5); short protein forms L1926P, L1951P.
Identifiers: ClinVar variation 842193 (VCV000842193.9), dbSNP rs1829404779, ClinGen allele CA371873277.